The following is an entry in ClinVar:

Conditions:
Breast-ovarian cancer, familial, susceptibility to, 1 (BROVCA1). Also called: BRCA1 Hereditary Breast and Ovarian Cancer; OVARIAN CANCER, SUSCEPTIBILITY TO. Identifiers: Orphanet 145, MedGen C2676676, MONDO:0011450, OMIM 604370. Disease mechanism: loss of function.

Submission:

Brotman Baty Institute, University of Washington
No classification provided (evidence only). Condition: Breast-ovarian cancer, familial 1. Review status: no classification provided. Collection method: in vitro. Allele origin: not applicable. Functional consequence: functionally_abnormal.
ClinVar note: "not provided" was previously submitted as the classification for the variant. However, the classification appeared to be based only on an observation of functional data so it was converted to no classification on 2025-07-30.

NM_007294.4(BRCA1):c.253G>T (p.Glu85Ter)

Gene: BRCA1 (BRCA1 DNA repair associated; minus strand). Cytogenetic location: 17q21.31.
Variant type: single nucleotide variant.
Coding change: c.253G>T on transcript NM_007294.4 (MANE Select); coding-DNA position 253, G replaced by T.
Protein change: p.Glu85Ter; replaces glutamic acid 85 with a stop codon.
Molecular consequence: nonsense. On other transcripts: non-coding transcript variant (1).
Genome position (GRCh38, 1-based): chr17:43,104,916, C>A on the plus strand (G>T on the coding strand, the complement: BRCA1 is on the minus strand). VCF-style: chr17-43104916-C-A. GRCh37 (hg19) VCF-style: chr17-41256933-C-A.
Other names: c.43G>T, p.Glu15Ter (NM_001407886.1, NM_001407887.1, NM_001407889.1 and 58 more transcripts); c.253G>T, p.Glu85Ter (NM_001407919.1, NM_001407937.1, NM_001407938.1 and 168 more transcripts); c.112G>T, p.Glu38Ter (NM_001407920.1, NM_001407921.1, NM_001407922.1 and 99 more transcripts); c.-129G>T (NM_001407959.1, NM_001407960.1, NM_001407962.1 and 4 more transcripts); c.175G>T, p.Glu59Ter (NM_001408409.1, NM_001408411.1, NM_001408412.1 and 21 more transcripts); c.121G>T, p.Glu41Ter (NM_001408451.1); short protein forms E38*, E85*, E41*, E15*, E59*.
Identifiers: ClinVar variation 868805 (VCV000868805.4), dbSNP rs2054685109, ClinGen allele CA10601648.
Genomic context (GRCh38, chr17:43,104,916, plus strand): 5'-TTCAACACTTACACTCCAAACCTGTGTCAAGCTGAAAAGCACAAATGATTTTCAATAGCT[C>A]TTCAACAAGTTGACTAAATCTCGTACTTTCTTGTAGGCTCCTGAAATTAAATTGTTTGAG-3'